The following is an entry in ClinVar:

ClinVar aggregate classification (germline): Uncertain significance. Review status: criteria provided, multiple submitters, no conflicts (2 of 4 stars). 2 submissions from 2 submitters: Uncertain significance (2). Last evaluated 2025-01-24.

Conditions:
MKS1-related disorder. Also called: MKS1-related disorders; MKS1-related condition. Identifiers: MedGen CN239382.
Meckel-Gruber syndrome. Also called: DYSENCEPHALIA SPLANCHNOCYSTICA; GRUBER SYNDROME; Dysencephalia splachnocystica. Identifiers: Orphanet 564, MedGen C0265215, MONDO:0018921.
Joubert syndrome. Also called: Familial aplasia of the vermis; JOUBERT-BOLTSHAUSER SYNDROME. Identifiers: Orphanet 475, MedGen C5979921, MONDO:0018772.

Submissions (2):

PreventionGenetics, part of Exact Sciences
Classification: Uncertain significance for MKS1-related condition. Last evaluated: 2025-01-24. Review status: criteria provided, single submitter. Criteria: ACMG Guidelines, 2015. Collection method: clinical testing. Allele origin: germline.
Comment: The MKS1 c.1535T>C variant is predicted to result in the amino acid substitution p.Val512Ala. To our knowledge, this variant has not been reported in the literature or in a large population database (gnomAD), indicating this variant is rare. At this time, the clinical significance of this variant is uncertain due to the absence of conclusive functional and genetic evidence.

Labcorp Genetics (formerly Invitae), Labcorp
Classification: Uncertain significance for Joubert syndrome; Meckel-Gruber syndrome. Last evaluated: 2018-05-30. Review status: criteria provided, single submitter. Criteria: Invitae Variant Classification Sherloc (09022015). Collection method: clinical testing. Allele origin: germline.
Comment: This sequence change replaces valine with alanine at codon 512 of the MKS1 protein (p.Val512Ala). The valine residue is highly conserved and there is a small physicochemical difference between valine and alanine. This variant is not present in population databases (ExAC no frequency). This variant has not been reported in the literature in individuals with MKS1-related disease. Algorithms developed to predict the effect of missense changes on protein structure and function (SIFT, PolyPhen-2, Align-GVGD) all suggest that this variant is likely to be tolerated, but these predictions have not been confirmed by published functional studies and their clinical significance is uncertain. In summary, the available evidence is currently insufficient to determine the role of this variant in disease. Therefore, it has been classified as a Variant of Uncertain Significance.

NM_017777.4(MKS1):c.1535T>C (p.Val512Ala)

Gene: MKS1 (MKS transition zone complex subunit 1; minus strand). Cytogenetic location: 17q22.
Variant type: single nucleotide variant.
Coding change: c.1535T>C on transcript NM_017777.4 (MANE Select); coding-DNA position 1535, T replaced by C.
Protein change: p.Val512Ala; replaces valine 512 with alanine.
Molecular consequence: missense variant. On other transcripts: synonymous variant (1).
Genome position (GRCh38, 1-based): chr17:58,206,336, A>G on the plus strand (T>C on the coding strand, the complement: MKS1 is on the minus strand). VCF-style: chr17-58206336-A-G. GRCh37 (hg19) VCF-style: chr17-56283697-A-G.
Other names: c.926T>C, p.Val309Ala (NM_001321268.2); c.1452T>C, p.Cys484= (NM_001321269.2); c.1318T>C, p.Cys440Arg (NM_001330397.2); short protein forms V512A, V309A, C440R.
Identifiers: ClinVar variation 582080 (VCV000582080.10), dbSNP rs1567794194, ClinGen allele CA400324487.